The following is an entry in ClinVar:

ClinVar aggregate classification (germline): Uncertain significance (1 of 4 stars; one submission).

Conditions:
Aicardi-Goutieres syndrome 5. Identifiers: Orphanet 51, MedGen C2749659, MONDO:0013059, OMIM 612952.

Submission:

Labcorp Genetics (formerly Invitae), Labcorp
Classification: Uncertain significance for Aicardi-Goutieres syndrome 5. Last evaluated: 2022-07-18. Review status: criteria provided, single submitter. Criteria: Invitae Variant Classification Sherloc (09022015). Collection method: clinical testing. Allele origin: germline.
Comment: In summary, the available evidence is currently insufficient to determine the role of this variant in disease. Therefore, it has been classified as a Variant of Uncertain Significance. Algorithms developed to predict the effect of missense changes on protein structure and function (SIFT, PolyPhen-2, Align-GVGD) all suggest that this variant is likely to be tolerated. ClinVar contains an entry for this variant (Variation ID: 1440703). This variant has not been reported in the literature in individuals affected with SAMHD1-related conditions. This variant is not present in population databases (gnomAD no frequency). This sequence change replaces lysine, which is basic and polar, with arginine, which is basic and polar, at codon 580 of the SAMHD1 protein (p.Lys580Arg).

NM_015474.4(SAMHD1):c.1739A>G (p.Lys580Arg)

Gene: SAMHD1 (SAM and HD domain containing deoxynucleoside triphosphate triphosphohydrolase 1; minus strand). Cytogenetic location: 20q11.23.
Variant type: single nucleotide variant.
Coding change: c.1739A>G on transcript NM_015474.4 (MANE Select); coding-DNA position 1739, A replaced by G.
Protein change: p.Lys580Arg; replaces lysine 580 with arginine.
Molecular consequence: missense variant.
Genome position (GRCh38, 1-based): chr20:36,897,829, T>C on the plus strand (A>G on the coding strand, the complement: SAMHD1 is on the minus strand). VCF-style: chr20-36897829-T-C. GRCh37 (hg19) VCF-style: chr20-35526232-T-C.
Other names: c.1634A>G, p.Lys545Arg (NM_001363729.2); c.1739A>G, p.Lys580Arg (NM_001363733.2); short protein forms K580R, K545R.
Identifiers: ClinVar variation 1440703 (VCV001440703.6), dbSNP rs1255928710, ClinGen allele CA408839320.